The following is an entry in ClinVar:

NM_001244008.2(KIF1A):c.235G>A (p.Glu79Lys)

Gene: KIF1A (kinesin family member 1A; minus strand). Cytogenetic location: 2q37.3.
Variant type: single nucleotide variant.
Coding change: c.235G>A on transcript NM_001244008.2 (MANE Select); coding-DNA position 235, G replaced by A.
Protein change: p.Glu79Lys; replaces glutamic acid 79 with lysine.
Molecular consequence: missense variant.
Genome position (GRCh38, 1-based): chr2:240,788,179, C>T on the plus strand (G>A on the coding strand, the complement: KIF1A is on the minus strand). VCF-style: chr2-240788179-C-T. GRCh37 (hg19) VCF-style: chr2-241727596-C-T.
Other names: c.235G>A, p.Glu79Lys (NM_001320705.2, NM_001330289.2, NM_001330290.2 and 20 more transcripts); short protein forms E79K.
Identifiers: ClinVar variation 4784680 (VCV004784680.1).

ClinVar aggregate classification (germline): Uncertain significance (1 of 4 stars; one submission).

Conditions:
Neuropathy, hereditary sensory, type 2C. Also called: KIF1A-Related HSAN2 (HSAN2C); Hereditary sensory and autonomic neuropathy type IIC. Identifiers: Orphanet 970, MedGen C3280168, MONDO:0013634, OMIM 614213.
Hereditary spastic paraplegia 30. Identifiers: Orphanet 101010, MedGen C5235139, MONDO:0012476.
Intellectual disability, autosomal dominant 9 (NESCAVS). Also called: KIF1A-Related Neurodevelopmental Disorder; NESCAV SYNDROME. Identifiers: Orphanet 662367, MedGen C5393830, MONDO:0013656, OMIM 614255.

gnomAD v4.1: 6 of 1,613,886 alleles (0.00037%); highest among the groups gnomAD compares: Non-Finnish European, 0.00025%; no homozygotes.

Submission:

Labcorp Genetics (formerly Invitae), Labcorp
Classification: Uncertain significance for Hereditary spastic paraplegia 30; Neuropathy, hereditary sensory, type 2C; Intellectual disability, autosomal dominant 9. Last evaluated: 2025-05-14. Review status: criteria provided, single submitter. Criteria: Invitae Variant Classification Sherloc (09022015). Collection method: clinical testing. Allele origin: germline.
Comment: This sequence change replaces glutamic acid, which is acidic and polar, with lysine, which is basic and polar, at codon 79 of the KIF1A protein (p.Glu79Lys). This variant is not present in population databases (gnomAD no frequency). This variant has not been reported in the literature in individuals affected with KIF1A-related conditions. Invitae Evidence Modeling of protein sequence and biophysical properties (such as structural, functional, and spatial information, amino acid conservation, physicochemical variation, residue mobility, and thermodynamic stability) indicates that this missense variant is expected to disrupt KIF1A protein function with a positive predictive value of 95%. In summary, the available evidence is currently insufficient to determine the role of this variant in disease. Therefore, it has been classified as a Variant of Uncertain Significance.